The following is an entry in ClinVar:

NM_003978.5(PSTPIP1):c.376G>A (p.Val126Ile)

Gene: PSTPIP1 (proline-serine-threonine phosphatase interacting protein 1; plus strand). Cytogenetic location: 15q24.3.
Variant type: single nucleotide variant.
Coding change: c.376G>A on transcript NM_003978.5 (MANE Select); coding-DNA position 376, G replaced by A.
Protein change: p.Val126Ile; replaces valine 126 with isoleucine.
Molecular consequence: missense variant. On other transcripts: non-coding transcript variant (1).
Genome position (GRCh38, 1-based): chr15:77,027,873, G>A. VCF-style: chr15-77027873-G-A. GRCh37 (hg19) VCF-style: chr15-77320214-G-A.
Other names: c.376G>A, p.Val126Ile (NM_001321135.2, NM_001411086.1); c.349G>A, p.Val117Ile (NM_001321136.2); c.571G>A, p.Val191Ile (NM_001321137.1); short protein forms V126I, V117I, V191I.
Identifiers: ClinVar variation 1994899 (VCV001994899.4), dbSNP rs1468002596, ClinGen allele CA393519604.

ClinVar aggregate classification (germline): Uncertain significance (1 of 4 stars; one submission).

Conditions:
Pyogenic arthritis-pyoderma gangrenosum-acne syndrome (PAPA). Also called: PAPA SYNDROME; FAMILIAL RECURRENT ARTHRITIS. Identifiers: Orphanet 69126, MedGen C1858361, MONDO:0011462, OMIM 604416.

gnomAD v4.1: 1 of 1,569,866 alleles (0.000064%); no homozygotes.

Submission:

Labcorp Genetics (formerly Invitae), Labcorp
Classification: Uncertain significance for Pyogenic arthritis-pyoderma gangrenosum-acne syndrome. Last evaluated: 2022-05-15. Review status: criteria provided, single submitter. Criteria: Invitae Variant Classification Sherloc (09022015). Collection method: clinical testing. Allele origin: germline.
Comment: In summary, the available evidence is currently insufficient to determine the role of this variant in disease. Therefore, it has been classified as a Variant of Uncertain Significance. Algorithms developed to predict the effect of missense changes on protein structure and function output the following: SIFT: "Tolerated"; PolyPhen-2: "Benign"; Align-GVGD: "Class C0". The isoleucine amino acid residue is found in multiple mammalian species, which suggests that this missense change does not adversely affect protein function. This variant has not been reported in the literature in individuals affected with PSTPIP1-related conditions. The frequency data for this variant in the population databases is considered unreliable, as metrics indicate poor data quality at this position in the gnomAD database. This sequence change replaces valine, which is neutral and non-polar, with isoleucine, which is neutral and non-polar, at codon 126 of the PSTPIP1 protein (p.Val126Ile).